The following is an entry in ClinVar:

NM_018706.7(DHTKD1):c.2470G>A (p.Gly824Arg)

Gene: DHTKD1 (dehydrogenase E1 and transketolase domain containing 1; plus strand). Cytogenetic location: 10p14.
Variant type: single nucleotide variant.
Coding change: c.2470G>A on transcript NM_018706.7 (MANE Select); coding-DNA position 2470, G replaced by A.
Protein change: p.Gly824Arg; replaces glycine 824 with arginine.
Molecular consequence: missense variant.
Genome position (GRCh38, 1-based): chr10:12,118,816, G>A. VCF-style: chr10-12118816-G-A. GRCh37 (hg19) VCF-style: chr10-12160815-G-A.
Other names: short protein forms G824R.
Identifiers: ClinVar variation 2883170 (VCV002883170.3), dbSNP rs771506788, ClinGen allele CA5408279.
Genomic context (GRCh38, chr10:12,118,816, plus strand): 5'-ACCCTCGTGTTCTGCTCCGGCAAACATTTCTACTCCCTGGTGAAACAAAGAGAATCTCTG[G>A]GGGCCAAGAAGCATGACTTTGCCATCATCCGAGTAGAGGAACTCTGCCCCTTCCCGTTGG-3'
Protein context (NP_061176.4, residues 814-834): YSLVKQRESL[Gly824Arg]AKKHDFAIIR

ClinVar aggregate classification (germline): Uncertain significance (1 of 4 stars; one submission).

Conditions:
2-aminoadipic 2-oxoadipic aciduria (AAKAD). Also called: Aminoadipic aciduria; ALPHA-AMINOADIPIC AND ALPHA-KETOADIPIC ACIDURIA. Identifiers: Orphanet 79154, MedGen C1859817, MONDO:0008774, OMIM 204750.

Allele frequency attached by ClinVar (database versions not stated): gnomAD exomes below 0.00001; TOPMed below 0.00001; ExAC 0.00002.
gnomAD v4.1: 2 of 1,607,784 alleles (0.00012%); highest among the groups gnomAD compares: East Asian, 0.0023%; no homozygotes.

Submission:

Labcorp Genetics (formerly Invitae), Labcorp
Classification: Uncertain significance for 2-aminoadipic 2-oxoadipic aciduria. Last evaluated: 2022-12-24. Review status: criteria provided, single submitter. Criteria: Invitae Variant Classification Sherloc (09022015). Collection method: clinical testing. Allele origin: germline.
Comment: In summary, the available evidence is currently insufficient to determine the role of this variant in disease. Therefore, it has been classified as a Variant of Uncertain Significance. Advanced modeling of protein sequence and biophysical properties (such as structural, functional, and spatial information, amino acid conservation, physicochemical variation, residue mobility, and thermodynamic stability) performed at Invitae indicates that this missense variant is not expected to disrupt DHTKD1 protein function. This variant has not been reported in the literature in individuals affected with DHTKD1-related conditions. This variant is present in population databases (rs771506788, gnomAD 0.01%). This sequence change replaces glycine, which is neutral and non-polar, with arginine, which is basic and polar, at codon 824 of the DHTKD1 protein (p.Gly824Arg).